The following is an entry in ClinVar:

NM_001391956.1(USP54):c.331C>G (p.Gln111Glu)

Gene: USP54 (ubiquitin specific peptidase 54; minus strand). Cytogenetic location: 10q22.2.
Variant type: single nucleotide variant.
Coding change: c.331C>G on transcript NM_001391956.1 (MANE Select); coding-DNA position 331, C replaced by G.
Protein change: p.Gln111Glu; replaces glutamine 111 with glutamic acid.
Molecular consequence: missense variant. On other transcripts: non-coding transcript variant (6).
Genome position (GRCh38, 1-based): chr10:73,545,582, G>C on the plus strand (C>G on the coding strand, the complement: USP54 is on the minus strand). VCF-style: chr10-73545582-G-C. GRCh37 (hg19) VCF-style: chr10-75305340-G-C.
Other names: c.331C>G, p.Gln111Glu (NM_001391946.1, NM_001391947.1, NM_001391948.1 and 17 more transcripts); short protein forms Q111E.
Identifiers: ClinVar variation 3038707 (VCV003038707.12), dbSNP rs144497064, ClinGen allele CA5556774.

ClinVar aggregate classification (germline): Likely benign. Review status: criteria provided, single submitter (1 of 4 stars). 2 submissions from 2 submitters: Likely benign (1). 1 of the submissions does not count toward it. Last evaluated 2025-06-01.

Conditions:
USP54-related disorder. Also called: USP54-related condition.

Allele frequency attached by ClinVar (database versions not stated): 1000 Genomes Project 0.00100; 1000 Genomes Project 30x 0.00109; TOPMed 0.00133; gnomAD 0.00143; ESP Exome Variant Server 0.00146; ExAC 0.00172; gnomAD exomes 0.00195.
gnomAD v4.1: 3,060 of 1,614,166 alleles (0.19%); highest among the groups gnomAD compares: Non-Finnish European, 0.23%; 12 homozygotes.

Submissions (2):

CeGaT Center for Human Genetics Tuebingen
Classification: Likely benign. Last evaluated: 2025-06-01. Review status: criteria provided, single submitter. Criteria: CeGaT Center For Human Genetics Tuebingen Variant Classification Criteria Version 2. Collection method: clinical testing. Allele origin: germline. Affected: yes. Observed: 2 variant alleles.
Comment: USP54: BS2

PreventionGenetics, part of Exact Sciences
Classification: Likely benign for USP54-related condition. Last evaluated: 2022-07-08. Review status: no assertion criteria provided. Collection method: clinical testing. Allele origin: germline. Not counted in ClinVar's aggregate classification.
Comment: This variant is classified as likely benign based on ACMG/AMP sequence variant interpretation guidelines (Richards et al. 2015 PMID: 25741868, with internal and published modifications).